The following is an entry in ClinVar:

NM_025114.4(CEP290):c.5885G>A (p.Arg1962Lys)

Gene: CEP290 (centrosomal protein 290; minus strand). Cytogenetic location: 12q21.32.
Variant type: single nucleotide variant.
Coding change: c.5885G>A on transcript NM_025114.4 (MANE Select); coding-DNA position 5885, G replaced by A.
Protein change: p.Arg1962Lys; replaces arginine 1962 with lysine.
Molecular consequence: missense variant.
Genome position (GRCh38, 1-based): chr12:88,071,420, C>T on the plus strand (G>A on the coding strand, the complement: CEP290 is on the minus strand). VCF-style: chr12-88071420-C-T. GRCh37 (hg19) VCF-style: chr12-88465197-C-T.
Other names: short protein forms R1962K.
Identifiers: ClinVar variation 972051 (VCV000972051.16), dbSNP rs562477272, ClinGen allele CA6711621.
Genomic context (GRCh38, chr12:88,071,420, plus strand): 5'-GACTCCAAAGCTCGTATTCCCAAAACCTGATCAACAGTCATGCCAGTTGTTTTTAGTTTC[C>T]TCTGCAAAGTAAGTTTCTCTTTATCGGCTCTGTGGAATTTAATATAGAATCATGAAATAT-3'
Protein context (NP_079390.3, residues 1952-1972): KADKEKLTLQ[Arg1962Lys]KLKTTGMTVD

ClinVar aggregate classification (germline): Conflicting classifications of pathogenicity. Review status: criteria provided, conflicting classifications (1 of 4 stars). 7 submissions from 7 submitters: Uncertain significance (5); Likely benign (1). 1 of the submissions does not count toward it. Last evaluated 2026-01-22.

Conditions:
Nephronophthisis. Also called: Juvenile Nephronophthisis. Identifiers: Orphanet 655, MedGen C0687120, MONDO:0019005, HP:0000090.
Meckel-Gruber syndrome. Also called: GRUBER SYNDROME; Dysencephalia splachnocystica; DYSENCEPHALIA SPLANCHNOCYSTICA. Identifiers: Orphanet 564, MedGen C0265215, MONDO:0018921.
Joubert syndrome. Also called: Familial aplasia of the vermis; JOUBERT-BOLTSHAUSER SYNDROME. Identifiers: Orphanet 475, MedGen C5979921, MONDO:0018772.
Bardet-Biedl syndrome 14 (BBS14). Identifiers: Orphanet 110, MedGen C2673874, MONDO:0014442, OMIM 615991.
Joubert syndrome 5 (JBTS5). Identifiers: Orphanet 2318, MedGen C1857780, MONDO:0012432, OMIM 610188.
Senior-Loken syndrome 6 (SLSN6). Identifiers: Orphanet 3156, MedGen C1857779, MONDO:0012433, OMIM 610189.
Meckel syndrome, type 4 (MKS4). Also called: MECKEL-GRUBER SYNDROME, TYPE 4. Identifiers: Orphanet 564, MedGen C1970161, MONDO:0012626, OMIM 611134.
Leber congenital amaurosis 10 (LCA10). Identifiers: Orphanet 65, MedGen C1857821, MONDO:0012723, OMIM 611755.
CEP290-related disorder. Also called: CEP290-related condition; CEP290-related disorders. Identifiers: MedGen CN239314.
Leber congenital amaurosis (LCA). Also called: Leber's amaurosis. Identifiers: Orphanet 65, MedGen C0339527, MeSH D057130, MONDO:0018998.
Retinal dystrophy. Also called: Inherited retinal dystrophy. Identifiers: Orphanet 71862, MedGen C0854723, MeSH D058499, MONDO:0019118, HP:0000556.

Allele frequency attached by ClinVar (database versions not stated): gnomAD 0.00001 and 0.00005; TOPMed 0.00002; gnomAD exomes 0.00004 and 0.00009; ExAC 0.00008; 1000 Genomes Project 30x 0.00016; 1000 Genomes Project 0.00020.
gnomAD v4.1: 61 of 1,610,248 alleles (0.0038%); highest among the groups gnomAD compares: East Asian, 0.083%; no homozygotes.

Submissions (7):

PreventionGenetics, part of Exact Sciences
Classification: Uncertain significance for CEP290-related condition. Last evaluated: 2026-01-22. Review status: criteria provided, single submitter. Criteria: ACMG Guidelines, 2015. Collection method: clinical testing. Allele origin: germline.
Comment: The CEP290 c.5885G>A variant is predicted to result in the amino acid substitution p.Arg1962Lys. This variant has been reported in an individual with retinitis pigmentosa (Table S9, Koyanagi et al. 2019. PubMed ID: 31213501) and an individual with retinal dystrophy (Table S3, Zhu et al. 2023. PubMed ID: 36493848). However, this variant is reported in 0.079% of alleles in individuals of East Asian descent in gnomAD, which may be too frequent to be a primary cause of disease. Although we suspect that c.5885G>A may be benign, the clinical significance of this variant is currently classified as uncertain due to the absence of conclusive functional and genetic evidence.

Fulgent Genetics
Classification: Uncertain significance for Joubert syndrome 5; Senior-Loken syndrome 6; Meckel syndrome, type 4; Leber congenital amaurosis 10; Bardet-Biedl syndrome 14. Last evaluated: 2024-03-11. Review status: criteria provided, single submitter. Criteria: ACMG Guidelines, 2015. Collection method: clinical testing. Allele origin: germline.

Blueprint Genetics
Classification: Uncertain significance. Last evaluated: 2023-10-18. Review status: criteria provided, single submitter. Criteria: ACMG Guidelines, 2015. Collection method: clinical testing. Allele origin: germline.

Dept Of Ophthalmology, Nagoya University
Classification: Likely benign for Retinal dystrophy. Last evaluated: 2023-10-01. Review status: criteria provided, single submitter. Criteria: Submitter's publication. Collection method: research. Allele origin: germline. Affected: yes.

Labcorp Genetics (formerly Invitae), Labcorp
Classification: Uncertain significance for Joubert syndrome; Meckel-Gruber syndrome; Nephronophthisis. Last evaluated: 2022-10-25. Review status: criteria provided, single submitter. Criteria: Invitae Variant Classification Sherloc (09022015). Collection method: clinical testing. Allele origin: germline.
Comment: This sequence change replaces arginine, which is basic and polar, with lysine, which is basic and polar, at codon 1962 of the CEP290 protein (p.Arg1962Lys). This variant is present in population databases (rs562477272, gnomAD 0.06%). This variant has not been reported in the literature in individuals affected with CEP290-related conditions. ClinVar contains an entry for this variant (Variation ID: 972051). Advanced modeling of protein sequence and biophysical properties (such as structural, functional, and spatial information, amino acid conservation, physicochemical variation, residue mobility, and thermodynamic stability) performed at Invitae indicates that this missense variant is not expected to disrupt CEP290 protein function. In summary, the available evidence is currently insufficient to determine the role of this variant in disease. Therefore, it has been classified as a Variant of Uncertain Significance.

GeneDx
Classification: Uncertain significance. Last evaluated: 2019-03-25. Review status: criteria provided, single submitter. Criteria: GeneDx Variant Classification Process June 2021. Collection method: clinical testing. Allele origin: germline. Affected: yes.
Comment: In silico analysis, which includes protein predictors and evolutionary conservation, supports that this variant does not alter protein structure/function; Has not been previously published as pathogenic or benign to our knowledge

Natera, Inc.
Classification: Uncertain significance for Leber congenital amaurosis. Last evaluated: 2020-05-22. Review status: no assertion criteria provided. Collection method: clinical testing. Allele origin: germline. Not counted in ClinVar's aggregate classification.